The following is an entry in ClinVar:

ClinVar aggregate classification (germline): Uncertain significance. Review status: criteria provided, multiple submitters, no conflicts (2 of 4 stars). 2 submissions from 2 submitters: Uncertain significance (2). Last evaluated 2024-06-23.

Conditions:
Hereditary cancer-predisposing syndrome. Also called: Neoplastic Syndromes, Hereditary; Hereditary neoplastic syndrome; Tumor predisposition; Hereditary Cancer Syndrome. Identifiers: Orphanet 140162, MedGen C0027672, MeSH D009386, MONDO:0015356.
Rhabdoid tumor predisposition syndrome 2 (RTPS2). Identifiers: Orphanet 231108, Orphanet 69077, MedGen C2750074, MONDO:0013224, OMIM 613325.

Submissions (2):

Ambry Genetics
Classification: Uncertain significance for Hereditary cancer-predisposing syndrome. Last evaluated: 2024-06-23. Review status: criteria provided, single submitter. Criteria: Ambry Variant Classification Scheme 2023. Collection method: clinical testing. Allele origin: germline.
Comment: The p.A292G variant (also known as c.875C>G), located in coding exon 5 of the SMARCA4 gene, results from a C to G substitution at nucleotide position 875. The alanine at codon 292 is replaced by glycine, an amino acid with similar properties. This amino acid position is conserved. In addition, the in silico prediction for this alteration is inconclusive. Based on the available evidence, the clinical significance of this variant remains unclear.

Labcorp Genetics (formerly Invitae), Labcorp
Classification: Uncertain significance for Rhabdoid tumor predisposition syndrome 2. Last evaluated: 2023-03-04. Review status: criteria provided, single submitter. Criteria: Invitae Variant Classification Sherloc (09022015). Collection method: clinical testing. Allele origin: germline.
Comment: This sequence change replaces alanine, which is neutral and non-polar, with glycine, which is neutral and non-polar, at codon 292 of the SMARCA4 protein (p.Ala292Gly). This variant is not present in population databases (gnomAD no frequency). This variant has not been reported in the literature in individuals affected with SMARCA4-related conditions. Advanced modeling of protein sequence and biophysical properties (such as structural, functional, and spatial information, amino acid conservation, physicochemical variation, residue mobility, and thermodynamic stability) performed at Invitae indicates that this missense variant is not expected to disrupt SMARCA4 protein function. In summary, the available evidence is currently insufficient to determine the role of this variant in disease. Therefore, it has been classified as a Variant of Uncertain Significance.

NM_003072.5(SMARCA4):c.875C>G (p.Ala292Gly)

Gene: SMARCA4 (SWI/SNF related BAF chromatin remodeling complex subunit ATPase 4; plus strand). Cytogenetic location: 19p13.2.
Variant type: single nucleotide variant.
Coding change: c.875C>G on transcript NM_003072.5 (MANE Select); coding-DNA position 875, C replaced by G.
Protein change: p.Ala292Gly; replaces alanine 292 with glycine.
Molecular consequence: missense variant. On other transcripts: non-coding transcript variant (1).
Genome position (GRCh38, 1-based): chr19:10,987,681, C>G. VCF-style: chr19-10987681-C-G. GRCh37 (hg19) VCF-style: chr19-11098357-C-G.
Other names: c.875C>G, p.Ala292Gly (NM_001128844.3, NM_001128845.2, NM_001128846.2 and 6 more transcripts); c.875C>G (NM_001128849.1); short protein forms A292G.
Identifiers: ClinVar variation 2890137 (VCV002890137.4), dbSNP rs2145813904, ClinGen allele CA404058341.